The following is an entry in ClinVar:

ClinVar aggregate classification (germline): Uncertain significance (1 of 4 stars; one submission).

gnomAD v4.1: 2 of 1,596,522 alleles (0.00013%); highest among the groups gnomAD compares: African/African-American, 0.0027%; no homozygotes.

Submission:

CeGaT Center for Human Genetics Tuebingen
Classification: Uncertain significance. Last evaluated: 2026-07-01. Review status: criteria provided, single submitter. Criteria: CeGaT Center For Human Genetics Tuebingen Variant Classification Criteria Version 2. Collection method: clinical testing. Allele origin: germline. Affected: yes. Observed: 1 variant allele.
Comment: MYO7A: PM2, PP3

NM_000260.4(MYO7A):c.3838G>C (p.Ala1280Pro)

Gene: MYO7A (myosin VIIA; plus strand). Cytogenetic location: 11q13.5.
Variant type: single nucleotide variant.
Coding change: c.3838G>C on transcript NM_000260.4 (MANE Select); coding-DNA position 3838, G replaced by C.
Protein change: p.Ala1280Pro; replaces alanine 1280 with proline.
Molecular consequence: missense variant.
Genome position (GRCh38, 1-based): chr11:77,190,784, G>C. VCF-style: chr11-77190784-G-C. GRCh37 (hg19) VCF-style: chr11-76901829-G-C.
Other names: c.3838G>C, p.Ala1280Pro (NM_001127180.2); c.3805G>C, p.Ala1269Pro (NM_001369365.1); short protein forms A1269P, A1280P.
Identifiers: ClinVar variation 5040197 (VCV005040197.1).